The following is an entry in ClinVar:

ClinVar aggregate classification (germline): Conflicting classifications of pathogenicity. Review status: criteria provided, conflicting classifications (1 of 4 stars). 19 submissions from 17 submitters: Uncertain significance (5); Benign (2); Likely benign (8). 4 of the submissions do not count toward it. Last evaluated 2026-04-01.

Conditions:
Hereditary renal cell carcinoma. Identifiers: MedGen C2608055, MONDO:0003008.
SDHA-related disorder. Also called: SDHA-related disorders; SDHA-related condition.
Mitochondrial complex II deficiency, nuclear type 1. Also called: SUCCINATE CoQ REDUCTASE DEFICIENCY. Identifiers: Orphanet 3208, MedGen C5700310, MONDO:0100294, OMIM 252011.
Pheochromocytoma/paraganglioma syndrome 5. Also called: Paragangliomas 5; SDHA-Related Hereditary Paraganglioma-Pheochromocytoma Syndrome. Identifiers: Orphanet 29072, MedGen C3279992, MONDO:0013602, OMIM 614165.
Hereditary cancer-predisposing syndrome. Also called: Neoplastic Syndromes, Hereditary; Hereditary Cancer Syndrome; Tumor predisposition; Hereditary neoplastic syndrome. Identifiers: Orphanet 140162, MedGen C0027672, MeSH D009386, MONDO:0015356.
Hereditary pheochromocytoma and paraganglioma. Also called: Hereditary Paraganglioma-Pheochromocytoma Syndromes; Hereditary pheochromocytoma-paraganglioma; Hereditary paragangliomas and pheochromocytomas. Identifiers: Orphanet 29072, MedGen C4274332, MONDO:0017366.
Leigh syndrome (NULS). Also called: Leigh Syndrome (mtDNA deletion); LEIGH SYNDROME, NUCLEAR; Leigh Disease; Leigh's syndrome; Subacute necrotizing encephalopathy; Necrotizing encephalopathy infantile subacute of Leigh. Identifiers: Orphanet 506, MedGen C2931891, MONDO:0009723, OMIM 256000.

Allele frequency attached by ClinVar (database versions not stated): ESP Exome Variant Server 0.00008; 1000 Genomes Project 0.00020; 1000 Genomes Project 30x 0.00031; gnomAD exomes 0.00043; ExAC 0.00055; gnomAD 0.00058 and 0.00060; TOPMed 0.00106.
gnomAD v4.1: 600 of 1,613,408 alleles (0.037%); highest among the groups gnomAD compares: Admixed American, 0.14%; 1 homozygote.

Submissions 1 to 15 of 19:

CeGaT Center for Human Genetics Tuebingen
Classification: Likely benign. Last evaluated: 2026-04-01. Review status: criteria provided, single submitter. Criteria: CeGaT Center For Human Genetics Tuebingen Variant Classification Criteria Version 2. Collection method: clinical testing. Allele origin: germline. Affected: yes. Observed: 5 variant alleles.
Comment: SDHA: PS3:Supporting, BP4, BS1

St. Jude Molecular Pathology, St. Jude Children's Research Hospital
Classification: Uncertain significance for Pheochromocytoma/paraganglioma syndrome 5. Last evaluated: 2026-02-11. Review status: criteria provided, single submitter. Criteria: St. Jude Assertion Criteria 2020. Collection method: clinical testing. Allele origin: germline.
Comment: The SDHA c.133G>A (p.Ala45Thr) missense change has a maximum subpopulation frequency of 0.076% in gnomAD v2.1.1. The in silico tool REVEL pred icts a benign effect on protein function. A functional assay demonstrated that expression of the mutant in a lymphoblastoid cell line increased complex II-specific oxygen consumption rate and IL-6 production, suggesting a gain-of-function effect (PMID: 31527833). Loss-of-function variants in SDHA are known to be associated with hereditary paraganglioma-pheochromocytoma syndrome (PMID: 20484225, 21752896). In summary, the evidence currently available is insufficient to determine the clinical significance of this variant. It has therefore been classified as of uncertain significance.

Labcorp Genetics (formerly Invitae), Labcorp
Classification: Likely benign for Pheochromocytoma/paraganglioma syndrome 5; Mitochondrial complex II deficiency, nuclear type 1. Last evaluated: 2026-02-03. Review status: criteria provided, single submitter. Criteria: Invitae Variant Classification Sherloc (09022015). Collection method: clinical testing. Allele origin: germline.

Mayo Clinic Laboratories, Mayo Clinic
Classification: Likely benign. Last evaluated: 2025-07-23. Review status: criteria provided, single submitter. Criteria: ACMG Guidelines, 2015. Collection method: clinical testing. Allele origin: germline. Observed: 3 variant alleles.
Comment: BS1, BP4

Blueprint Genetics
Classification: Likely benign. Last evaluated: 2024-09-13. Review status: criteria provided, single submitter. Criteria: ACMG Guidelines, 2015. Collection method: clinical testing. Allele origin: germline.

Women's Health and Genetics/Laboratory Corporation of America, LabCorp
Classification: Likely benign. Last evaluated: 2023-08-31. Review status: criteria provided, single submitter. Criteria: LabCorp Variant Classification Summary - May 2015. Collection method: clinical testing. Allele origin: germline.
Comment: Variant summary: SDHA c.133G>A (p.Ala45Thr) results in a non-conservative amino acid change in the encoded protein sequence. Three of five in-silico tools predict a benign effect of the variant on protein function. The variant allele was found at a frequency of 0.00058 in 152210 control chromosomes, predominantly at a frequency of 0.0036 within the Latino subpopulation in the gnomAD database (gnomAD v3, genomes data), including 1 homozygote. c.133G>A has been reported in the literature in individuals affected with thoracic paraganglioma, renal and thyroid cancers and persistent polyclonal B cell lymphocytosis (Casey_2017, Nicolas_2019, Burgener_2019). These reports do not provide unequivocal conclusions about association of the variant with Neurodegeneration With Ataxia And Late-Onset Optic Atrophy. At least one publication reports experimental evidence evaluating an impact on protein function, however, does not allow convincing conclusions about the variant effect (Burgener_2019). The following publications have been ascertained in the context of this evaluation (PMID: 31527833, 28546994, 30680959). 11 submitters have cited clinical-significance assessments for this variant to ClinVar after 2014 and classified this variant as uncertain significance (n=6), likely benign (n=4) and benign (n=1). Based on the evidence outlined above, the variant was classified as likely benign.

GeneDx
Classification: Uncertain significance. Last evaluated: 2023-07-05. Review status: criteria provided, single submitter. Criteria: GeneDx Variant Classification Process June 2021. Collection method: clinical testing. Allele origin: germline. Affected: yes.
Comment: Observed in an individual with paraganglioma and in both affected and unaffected individuals from a family with renal and other cancers (Casey et al., 2017; Nicolas et al., 2019); Published functional studies demonstrate increased complex II-specific oxygen consumption rate and IL-6 production, suggesting a gain-of-function effect (Burgener et al., 2019); In silico analysis supports that this missense variant does not alter protein structure/function; This variant is associated with the following publications: (PMID: 28500238, 28873162, 28492532, 28546994, 30680959, 31273876, 31527833)

Myriad Genetics, Inc.
Classification: Likely benign for Pheochromocytoma/paraganglioma syndrome 5. Last evaluated: 2023-04-24. Review status: criteria provided, single submitter. Criteria: Myriad Autosomal Dominant, Autosomal Recessive and X-Linked Classification Criteria (2023). Collection method: clinical testing. Allele origin: unknown.
Comment: This variant is considered likely benign. This variant has been observed at a population frequency that is significantly greater than expected given the associated disease prevalence and penetrance.

Quest Diagnostics Nichols Institute San Juan Capistrano
Classification: Benign. Last evaluated: 2022-11-18. Review status: criteria provided, single submitter. Criteria: Quest Diagnostics criteria. Collection method: clinical testing. Allele origin: unknown.

Institute for Clinical Genetics, University Hospital TU Dresden, University Hospital TU Dresden
Classification: Uncertain significance. Last evaluated: 2021-11-03. Review status: criteria provided, single submitter. Criteria: ACMG Guidelines, 2015. Collection method: clinical testing. Allele origin: germline.

Sema4
Classification: Likely benign for Hereditary cancer-predisposing syndrome. Last evaluated: 2021-07-16. Review status: criteria provided, single submitter. Criteria: Sema4 Curation Guidelines. Collection method: curation. Allele origin: germline.

Ambry Genetics
Classification: Likely benign for Hereditary cancer-predisposing syndrome. Last evaluated: 2019-05-06. Review status: criteria provided, single submitter. Criteria: Ambry Variant Classification Scheme 2023. Collection method: clinical testing. Allele origin: germline.

Illumina Laboratory Services, Illumina
Classification: Uncertain significance for Mitochondrial complex II deficiency, nuclear type 1. Last evaluated: 2018-01-13. Review status: criteria provided, single submitter. Criteria: ICSL Variant Classification Criteria 13 December 2019. Collection method: clinical testing. Allele origin: germline.

Illumina Laboratory Services, Illumina
Classification: Uncertain significance for Leigh syndrome. Last evaluated: 2018-01-13. Review status: criteria provided, single submitter. Criteria: ICSL Variant Classification Criteria 13 December 2019. Collection method: clinical testing. Allele origin: germline.

Illumina Laboratory Services, Illumina
Classification: Benign for Hereditary Paraganglioma-Pheochromocytoma Syndromes. Last evaluated: 2018-01-13. Review status: criteria provided, single submitter. Criteria: ICSL Variant Classification Criteria 13 December 2019. Collection method: clinical testing. Allele origin: germline.
Comment: This variant was observed in the ICSL laboratory as part of a predisposition screen in an ostensibly healthy population. It had not been previously curated by ICSL or reported in the Human Gene Mutation Database (HGMD: prior to June 1st, 2018), and was therefore a candidate for classification through an automated scoring system. Utilizing variant allele frequency, disease prevalence and penetrance estimates, and inheritance mode, an automated score was calculated to assess if this variant is too frequent to cause the disease. Based on the score and internal cut-off values, a variant classified as benign is not then subjected to further curation. The score for this variant resulted in a classification of benign for this disease.

NM_004168.4(SDHA):c.133G>A (p.Ala45Thr)

Gene: SDHA (succinate dehydrogenase complex flavoprotein subunit A; plus strand). Cytogenetic location: 5p15.33.
Variant type: single nucleotide variant.
Coding change: c.133G>A on transcript NM_004168.4 (MANE Select); coding-DNA position 133, G replaced by A.
Protein change: p.Ala45Thr; replaces alanine 45 with threonine.
Molecular consequence: missense variant.
Genome position (GRCh38, 1-based): chr5:223,551, G>A. VCF-style: chr5-223551-G-A. GRCh37 (hg19) VCF-style: chr5-223666-G-A.
Other names: p.Ala45Thr; c.133G>A, p.Ala45Thr (NM_001294332.2, NM_001330758.2); short protein forms A45T.
Identifiers: ClinVar variation 224947 (VCV000224947.73), dbSNP rs140736646, ClinGen allele CA358573.